The following is an entry in ClinVar:

NM_021942.6(TRAPPC11):c.2869G>A (p.Glu957Lys)

Gene: TRAPPC11 (trafficking protein particle complex subunit 11; plus strand). Cytogenetic location: 4q35.1.
Variant type: single nucleotide variant.
Coding change: c.2869G>A on transcript NM_021942.6 (MANE Select); coding-DNA position 2869, G replaced by A.
Protein change: p.Glu957Lys; replaces glutamic acid 957 with lysine.
Molecular consequence: missense variant.
Genome position (GRCh38, 1-based): chr4:183,701,714, G>A. VCF-style: chr4-183701714-G-A. GRCh37 (hg19) VCF-style: chr4-184622867-G-A.
Other names: c.2869G>A, p.Glu957Lys (NM_199053.3); short protein forms E957K.
Identifiers: ClinVar variation 857973 (VCV000857973.10), dbSNP rs1736807463, ClinGen allele CA358873765.

ClinVar aggregate classification (germline): Uncertain significance (1 of 4 stars; one submission).

Conditions:
Autosomal recessive limb-girdle muscular dystrophy type R18 (LGMDR18). Also called: Limb-girdle muscular dystrophy, type 2S; MUSCULAR DYSTROPHY, LIMB-GIRDLE, AUTOSOMAL RECESSIVE 18; Autosomal recessive limb-girdle muscular dystrophy type 2S. Identifiers: Orphanet 369840, MedGen C4517996, MONDO:0014144, OMIM 615356.

Submission:

Labcorp Genetics (formerly Invitae), Labcorp
Classification: Uncertain significance for Autosomal recessive limb-girdle muscular dystrophy type R18. Last evaluated: 2019-12-12. Review status: criteria provided, single submitter. Criteria: Invitae Variant Classification Sherloc (09022015). Collection method: clinical testing. Allele origin: germline.
Comment: This sequence change replaces glutamic acid with lysine at codon 957 of the TRAPPC11 protein (p.Glu957Lys). The glutamic acid residue is highly conserved and there is a small physicochemical difference between glutamic acid and lysine. This variant is not present in population databases (ExAC no frequency). This variant has not been reported in the literature in individuals with TRAPPC11-related conditions. Algorithms developed to predict the effect of missense changes on protein structure and function are either unavailable or do not agree on the potential impact of this missense change (SIFT: "Tolerated"; PolyPhen-2: "Possibly Damaging"; Align-GVGD: "Class C0"). In summary, the available evidence is currently insufficient to determine the role of this variant in disease. Therefore, it has been classified as a Variant of Uncertain Significance.